The following is an entry in ClinVar:

ClinVar aggregate classification (germline): Uncertain significance (1 of 4 stars; one submission).

Allele frequency attached by ClinVar (database versions not stated): gnomAD 0.00001; TOPMed 0.00001; gnomAD exomes 0.00003.
gnomAD v4.1: 50 of 1,614,124 alleles (0.0031%); highest among the groups gnomAD compares: East Asian, 0.013%; no homozygotes.

Submission:

Labcorp Genetics (formerly Invitae), Labcorp
Classification: Uncertain significance. Last evaluated: 2025-03-17. Review status: criteria provided, single submitter. Criteria: Invitae Variant Classification Sherloc (09022015). Collection method: clinical testing. Allele origin: germline.
Comment: This sequence change falls in intron 5 of the RFWD3 gene. It does not directly change the encoded amino acid sequence of the RFWD3 protein. It affects a nucleotide within the consensus splice site. This variant is present in population databases (no rsID available, gnomAD 0.01%). This variant has not been reported in the literature in individuals affected with RFWD3-related conditions. ClinVar contains an entry for this variant (Variation ID: 1979365). Variants that disrupt the consensus splice site are a relatively common cause of aberrant splicing (PMID: 17576681, 9536098). Algorithms developed to predict the effect of sequence changes on RNA splicing suggest that this variant is not likely to affect RNA splicing. In summary, the available evidence is currently insufficient to determine the role of this variant in disease. Therefore, it has been classified as a Variant of Uncertain Significance.

Literature cited by the submitters: PubMed 17576681; PubMed 9536098.

NM_018124.4(RFWD3):c.988-3T>C

Gene: RFWD3 (ring finger and WD repeat domain 3; minus strand). Cytogenetic location: 16q23.1.
Variant type: single nucleotide variant.
Coding change: c.988-3T>C on transcript NM_018124.4 (MANE Select); 3 bases into the intron before coding-DNA position 988, T replaced by C.
Molecular consequence: intron variant.
Genome position (GRCh38, 1-based): chr16:74,644,456, A>G on the plus strand (T>C on the coding strand, the complement: RFWD3 is on the minus strand). VCF-style: chr16-74644456-A-G. GRCh37 (hg19) VCF-style: chr16-74678354-A-G.
Other names: c.988-3T>C (NM_001370534.1, NM_001370536.1, NM_001370535.1); c.154-3T>C (NM_001370539.1, NM_001370537.1, NM_001370543.1 and 2 more transcripts).
Identifiers: ClinVar variation 1979365 (VCV001979365.4), dbSNP rs972226867, ClinGen allele CA283752777.